The following is an entry in ClinVar:

NM_001378030.1(CCDC78):c.13G>C (p.Ala5Pro)

Gene: CCDC78 (coiled-coil domain containing 78; minus strand). Cytogenetic location: 16p13.3.
Variant type: single nucleotide variant.
Coding change: c.13G>C on transcript NM_001378030.1 (MANE Select); coding-DNA position 13, G replaced by C.
Protein change: p.Ala5Pro; replaces alanine 5 with proline.
Molecular consequence: missense variant. On other transcripts: non-coding transcript variant (3), intron variant (1).
Genome position (GRCh38, 1-based): chr16:726,355, C>G on the plus strand (G>C on the coding strand, the complement: CCDC78 is on the minus strand). VCF-style: chr16-726355-C-G. GRCh37 (hg19) VCF-style: chr16-776355-C-G.
Other names: c.13G>C, p.Ala5Pro (NM_001031737.3, NM_001378031.1); c.-225-270G>C (NM_001378033.1); short protein forms A5P.
Identifiers: ClinVar variation 1963109 (VCV001963109.5), dbSNP rs1447437433, ClinGen allele CA394106458.
Genomic context (GRCh38, chr16:726,355, plus strand): 5'-CCAGAGGACTCACATTCTCCACCCGCCGAGAGGGAGGTCCAGGCCTGGGGCCTGTGGTGG[C>G]TGCGTGCTCCATAGGCTAGGGAACCCTGGCCAGCTCCGAGCCCGGTGCTGCCTCCACGCC-3'
Protein context (NP_001364959.1, residues 1-15): MEHA[Ala5Pro]TTGPRPGPPS

ClinVar aggregate classification (germline): Uncertain significance (1 of 4 stars; one submission).

Conditions:
Congenital myopathy with internal nuclei and atypical cores. Also called: Myopathy, centronuclear, 4. Identifiers: Orphanet 319160, MedGen C4707232, MONDO:0013890, OMIM 614807.

Allele frequency attached by ClinVar (database versions not stated): gnomAD exomes below 0.00001.
gnomAD v4.1: 3 of 1,541,310 alleles (0.00019%); highest among the groups gnomAD compares: Admixed American, 0.0042%; no homozygotes.

Submission:

Labcorp Genetics (formerly Invitae), Labcorp
Classification: Uncertain significance for Congenital myopathy with internal nuclei and atypical cores. Last evaluated: 2022-08-13. Review status: criteria provided, single submitter. Criteria: Invitae Variant Classification Sherloc (09022015). Collection method: clinical testing. Allele origin: germline.
Comment: This variant is present in population databases (no rsID available, gnomAD 0.005%). This variant has not been reported in the literature in individuals affected with CCDC78-related conditions. Algorithms developed to predict the effect of missense changes on protein structure and function are either unavailable or do not agree on the potential impact of this missense change (SIFT: "Tolerated"; PolyPhen-2: "Probably Damaging"; Align-GVGD: "Class C0"). In summary, the available evidence is currently insufficient to determine the role of this variant in disease. Therefore, it has been classified as a Variant of Uncertain Significance. This sequence change replaces alanine, which is neutral and non-polar, with proline, which is neutral and non-polar, at codon 5 of the CCDC78 protein (p.Ala5Pro).